The following is an entry in ClinVar:

ClinVar aggregate classification (germline): Likely benign (1 of 4 stars; one submission).

Submission:

Center for Pediatric Genomic Medicine, Children's Mercy Hospital and Clinics
Classification: Likely benign. Last evaluated: 2017-01-06. Review status: criteria provided, single submitter. Criteria: ACMG Guidelines, 2015. Collection method: clinical testing. Allele origin: germline.
ClinVar note: Converted during submission from Likely Benign to Likely benign.

NC_012920.1(MT-CO1):m.6674T>C

Gene: MT-CO1 (mitochondrially encoded cytochrome c oxidase I; plus strand).
Variant type: single nucleotide variant.
Genome position: chrM-6674-T-C.
Identifiers: ClinVar variation 376859 (VCV000376859.3), dbSNP rs878895466, ClinGen allele CA16603189.